The following is an entry in ClinVar:

ClinVar aggregate classification (germline): Uncertain significance (1 of 4 stars; one submission).

Allele frequency attached by ClinVar (database versions not stated): gnomAD exomes below 0.00001.
gnomAD v4.1: 2 of 1,614,218 alleles (0.00012%); highest among the groups gnomAD compares: Non-Finnish European, 0.00017%; no homozygotes.

Submission:

Labcorp Genetics (formerly Invitae), Labcorp
Classification: Uncertain significance. Last evaluated: 2022-06-29. Review status: criteria provided, single submitter. Criteria: Invitae Variant Classification Sherloc (09022015). Collection method: clinical testing. Allele origin: germline.
Comment: In summary, the available evidence is currently insufficient to determine the role of this variant in disease. Therefore, it has been classified as a Variant of Uncertain Significance. Advanced modeling of protein sequence and biophysical properties (such as structural, functional, and spatial information, amino acid conservation, physicochemical variation, residue mobility, and thermodynamic stability) performed at Invitae indicates that this missense variant is not expected to disrupt LRP2 protein function. This variant has not been reported in the literature in individuals affected with LRP2-related conditions. This variant is not present in population databases (gnomAD no frequency). This sequence change replaces glycine, which is neutral and non-polar, with arginine, which is basic and polar, at codon 2774 of the LRP2 protein (p.Gly2774Arg).

NM_004525.3(LRP2):c.8320G>A (p.Gly2774Arg)

Gene: LRP2 (LDL receptor related protein 2; minus strand). Cytogenetic location: 2q31.1.
Variant type: single nucleotide variant.
Coding change: c.8320G>A on transcript NM_004525.3 (MANE Select); coding-DNA position 8320, G replaced by A.
Protein change: p.Gly2774Arg; replaces glycine 2774 with arginine.
Molecular consequence: missense variant.
Genome position (GRCh38, 1-based): chr2:169,201,760, C>T on the plus strand (G>A on the coding strand, the complement: LRP2 is on the minus strand). VCF-style: chr2-169201760-C-T. GRCh37 (hg19) VCF-style: chr2-170058270-C-T.
Other names: short protein forms G2774R.
Identifiers: ClinVar variation 2012314 (VCV002012314.4), dbSNP rs1688210404, ClinGen allele CA349165498.